The following is an entry in ClinVar:

ClinVar aggregate classification (germline): Pathogenic (1 of 4 stars; one submission).

Conditions:
Hereditary breast ovarian cancer syndrome. Also called: BRCA1- and BRCA2-Associated Hereditary Breast and Ovarian Cancer; Breast and ovarian cancer; Hereditary breast and ovarian cancer syndrome; Hereditary breast and ovarian cancer syndrome (HBOC); Hereditary breast and/or ovarian cancer syndrome; Hereditary breast and ovarian cancer. Identifiers: Orphanet 145, MedGen C0677776, MeSH D061325, MONDO:0003582. Disease mechanism: loss of function.

Submission:

Labcorp Genetics (formerly Invitae), Labcorp
Classification: Pathogenic for Hereditary breast ovarian cancer syndrome. Last evaluated: 2025-05-24. Review status: criteria provided, single submitter. Criteria: Invitae Variant Classification Sherloc (09022015). Collection method: clinical testing. Allele origin: germline.
Comment: This sequence change inserts a large fragment of DNA, likely a transposable element, in exon 10 of the BRCA1 gene (c.1388_1389ins?), causing a frameshift at codon 463 (p.Lys463fs). The exact size and sequence of the insertion cannot be determined by the current assay. However, the insertion is expected to result in an absent or disrupted protein product. This variant is not present in population databases (gnomAD no frequency). This variant has not been reported in the literature in individuals affected with BRCA1-related conditions. Retrotransposon insertions including LINE1 (L1), Alu, and SVA (SINE-VNTR-Alu) have been reported to be disease-causing through disruption of either a coding region or splice site (PMID: 19763152, 20307669, 22406018) and loss-of-function variants in BRCA1 are known to be pathogenic (PMID: 20104584). For these reasons, this variant has been classified as Pathogenic.

Literature cited by the submitters: PubMed 19763152; PubMed 20307669; PubMed 22406018; PubMed 20104584.

NM_007294.4(BRCA1):c.1388_1389insGGCCGGGCGTGGTGGCTCACACCTGTAATCCCAGCACTTTGGGAGGCCGAGGCGGGTGGATCATGAGGTCAGGNNNNNNNNNNAAAAAAAAAAAAAAAAAAAAAAAATATTTGGGAA (p.Lys463_Thr464insAlaGlyArgGlyGlySerHisLeuTer)

Gene: BRCA1 (BRCA1 DNA repair associated; minus strand). Cytogenetic location: 17q21.31.
Variant type: Insertion.
Coding change: c.1388_1389insGGCCGGGCGTGGTGGCTCACACCTGTAATCCCAGCACTTTGGGAGGCCGAGGCGGGTGGATCATGAGGTCAGGNNNNNNNNNNAAAAAAAAAAAAAAAAAAAAAAAATATTTGGGAA on transcript NM_007294.4 (MANE Select); coding-DNA positions 1388 to 1389, GGCCGGGCGTGGTGGCTCACACCTGTAATCCCAGCACTTTGGGAGGCCGAGGCGGGTGGATCATGAGGTCAGGNNNNNNNNNNAAAAAAAAAAAAAAAAAAAAAAAATATTTGGGAA inserted.
Protein change: p.Lys463_Thr464insAlaGlyArgGlyGlySerHisLeuTer.
Molecular consequence: nonsense, inframe insertion. On other transcripts: intron variant (137).
Genome position: GRCh38: chr17:43,094,156-43,094,157. GRCh37 (hg19): chr17:41,246,173-41,246,174.
Other names: c.1124_1125insGGCCGGGCGTGGTGGCTCACACCTGTAATCCCAGCACTTTGGGAGGCCGAGGCGGGTGGATCATGAGGTCAGGNNNNNNNNNNAAAAAAAAAAAAAAAAAAAAAAAATATTTGGGAA, p.Lys375_Thr376insAlaGlyArgGlyGlySerHisLeuTer (NM_001407933.1, NM_001407935.1, NM_001407920.1 and 9 more transcripts); c.1121_1122insGGCCGGGCGTGGTGGCTCACACCTGTAATCCCAGCACTTTGGGAGGCCGAGGCGGGTGGATCATGAGGTCAGGNNNNNNNNNNAAAAAAAAAAAAAAAAAAAAAAAATATTTGGGAA, p.Lys374_Thr375insAlaGlyArgGlyGlySerHisLeuTer (NM_001407934.1, NM_001407936.1, NM_001407930.1 and 2 more transcripts); c.1265_1266insGGCCGGGCGTGGTGGCTCACACCTGTAATCCCAGCACTTTGGGAGGCCGAGGCGGGTGGATCATGAGGTCAGGNNNNNNNNNNAAAAAAAAAAAAAAAAAAAAAAAATATTTGGGAA, p.Lys422_Thr423insAlaGlyArgGlyGlySerHisLeuTer (NM_001407937.1, NM_001407938.1, NM_001407648.1 and 19 more transcripts); c.1175_1176insGGCCGGGCGTGGTGGCTCACACCTGTAATCCCAGCACTTTGGGAGGCCGAGGCGGGTGGATCATGAGGTCAGGNNNNNNNNNNAAAAAAAAAAAAAAAAAAAAAAAATATTTGGGAA, p.Lys392_Thr393insAlaGlyArgGlyGlySerHisLeuTer (NM_001407571.1, NM_001407853.1, NM_001407894.1 and 9 more transcripts); c.1388_1389insGGCCGGGCGTGGTGGCTCACACCTGTAATCCCAGCACTTTGGGAGGCCGAGGCGGGTGGATCATGAGGTCAGGNNNNNNNNNNAAAAAAAAAAAAAAAAAAAAAAAATATTTGGGAA, p.Lys463_Thr464insAlaGlyArgGlyGlySerHisLeuTer (NM_001407581.1, NM_001407582.1, NM_001407583.1 and 30 more transcripts); c.1385_1386insGGCCGGGCGTGGTGGCTCACACCTGTAATCCCAGCACTTTGGGAGGCCGAGGCGGGTGGATCATGAGGTCAGGNNNNNNNNNNAAAAAAAAAAAAAAAAAAAAAAAATATTTGGGAA, p.Lys462_Thr463insAlaGlyArgGlyGlySerHisLeuTer (NM_001407587.1, NM_001407590.1, NM_001407591.1 and 22 more transcripts); c.1379_1380insGGCCGGGCGTGGTGGCTCACACCTGTAATCCCAGCACTTTGGGAGGCCGAGGCGGGTGGATCATGAGGTCAGGNNNNNNNNNNAAAAAAAAAAAAAAAAAAAAAAAATATTTGGGAA, p.Lys460_Thr461insAlaGlyArgGlyGlySerHisLeuTer (NM_001407646.1, NM_001407647.1); c.1262_1263insGGCCGGGCGTGGTGGCTCACACCTGTAATCCCAGCACTTTGGGAGGCCGAGGCGGGTGGATCATGAGGTCAGGNNNNNNNNNNAAAAAAAAAAAAAAAAAAAAAAAATATTTGGGAA, p.Lys421_Thr422insAlaGlyArgGlyGlySerHisLeuTer (NM_001407649.1, NM_001407670.1, NM_001407671.1 and 11 more transcripts); and 40 more.
Identifiers: ClinVar variation 4715799 (VCV004715799.1).